The following is an entry in ClinVar:

NM_001329943.3(KIAA0586):c.422T>C (p.Met141Thr)

Gene: KIAA0586 (KIAA0586; plus strand). Cytogenetic location: 14q23.1.
Variant type: single nucleotide variant.
Coding change: c.422T>C on transcript NM_001329943.3 (MANE Select); coding-DNA position 422, T replaced by C.
Protein change: p.Met141Thr; replaces methionine 141 with threonine.
Molecular consequence: missense variant. On other transcripts: initiator codon variant (1).
Genome position (GRCh38, 1-based): chr14:58,442,717, T>C. VCF-style: chr14-58442717-T-C. GRCh37 (hg19) VCF-style: chr14-58909435-T-C.
Other names: c.581T>C, p.Met194Thr (NM_001244189.2); c.377T>C, p.Met126Thr (NM_001244190.2); c.167T>C, p.Met56Thr (NM_001244191.2, NM_001329945.2, NM_001364700.1 and 1 more transcripts); c.290T>C, p.Met97Thr (NM_001244192.2); c.2T>C, p.Met1Thr (NM_001244193.2); c.422T>C, p.Met141Thr (NM_001329944.2, NM_001329946.2, NM_001329947.2 and 1 more transcripts); short protein forms M141T, M194T, M126T, M1T, M56T, M97T.
Identifiers: ClinVar variation 377258 (VCV000377258.46), dbSNP rs61735931, ClinGen allele CA7205401.
Genomic context (GRCh38, chr14:58,442,717, plus strand): 5'-GTTTCAATGTAGTTTACTGAATACATTTTTATTGCTTTTTTATTTATAGAGCTCAAAGCA[T>C]GCCTGTTTTTAAGGAAGTAAAGGTACATCTGTTAGAAGATGCAGGCATAGAGAAGGATGC-3'
Protein context (NP_001316872.1, residues 131-151): RTVLKQKAQS[Met141Thr]PVFKEVKVHL

ClinVar aggregate classification (germline): Benign/Likely benign. Review status: criteria provided, multiple submitters, no conflicts (2 of 4 stars). 5 submissions from 5 submitters: Benign (2); Likely benign (3). Last evaluated 2026-09-01.

Conditions:
Joubert syndrome 23 (JBTS23). Identifiers: Orphanet 475, MedGen C4084822, MONDO:0014664, OMIM 616490.
Short-rib thoracic dysplasia 14 with polydactyly (SRTD14). Identifiers: Orphanet 397715, MedGen C4225286, MONDO:0014688, OMIM 616546.

Allele frequency attached by ClinVar (database versions not stated): 1000 Genomes Project 30x 0.00203; 1000 Genomes Project 0.00260; TOPMed 0.00484; gnomAD exomes 0.00509 and 0.00694; gnomAD 0.00519 and 0.00533; ESP Exome Variant Server 0.00573; ExAC 0.00997.

Submissions (5):

CeGaT Center for Human Genetics Tuebingen
Classification: Likely benign. Last evaluated: 2026-09-01. Review status: criteria provided, single submitter. Criteria: CeGaT Center For Human Genetics Tuebingen Variant Classification Criteria Version 2. Collection method: clinical testing. Allele origin: germline. Affected: yes. Observed: 25 variant alleles.
Comment: KIAA0586: BP4, BS2

Labcorp Genetics (formerly Invitae), Labcorp
Classification: Benign for Joubert syndrome 23; Short-rib thoracic dysplasia 14 with polydactyly. Last evaluated: 2026-01-30. Review status: criteria provided, single submitter. Criteria: Invitae Variant Classification Sherloc (09022015). Collection method: clinical testing. Allele origin: germline.

Blueprint Genetics
Classification: Likely benign. Last evaluated: 2024-11-27. Review status: criteria provided, single submitter. Criteria: ACMG Guidelines, 2015. Collection method: clinical testing. Allele origin: germline.

GeneDx
Classification: Benign. Last evaluated: 2019-01-21. Review status: criteria provided, single submitter. Criteria: GeneDx Variant Classification Process June 2021. Collection method: clinical testing. Allele origin: germline. Affected: yes.

Center for Pediatric Genomic Medicine, Children's Mercy Hospital and Clinics
Classification: Likely benign. Last evaluated: 2017-01-24. Review status: criteria provided, single submitter. Criteria: ACMG Guidelines, 2015. Collection method: clinical testing. Allele origin: germline.
ClinVar note: Converted during submission from Likely Benign to Likely benign.